The following is an entry in ClinVar:

ClinVar aggregate classification (germline): Uncertain significance (1 of 4 stars; one submission).

Allele frequency attached by ClinVar (database versions not stated): gnomAD exomes below 0.00001; TOPMed 0.00001.
gnomAD v4.1: 4 of 1,208,334 alleles (0.00033%); highest among the groups gnomAD compares: Admixed American, 0.0087%; no homozygotes.

Submission:

Labcorp Genetics (formerly Invitae), Labcorp
Classification: Uncertain significance. Last evaluated: 2022-11-08. Review status: criteria provided, single submitter. Criteria: Invitae Variant Classification Sherloc (09022015). Collection method: clinical testing. Allele origin: germline.
Comment: This variant is present in population databases (no rsID available, gnomAD 0.008%). This variant has not been reported in the literature in individuals affected with CACNA1F-related conditions. Algorithms developed to predict the effect of missense changes on protein structure and function (SIFT, PolyPhen-2, Align-GVGD) all suggest that this variant is likely to be tolerated. In summary, the available evidence is currently insufficient to determine the role of this variant in disease. Therefore, it has been classified as a Variant of Uncertain Significance. This sequence change replaces glycine, which is neutral and non-polar, with arginine, which is basic and polar, at codon 6 of the CACNA1F protein (p.Gly6Arg).

NM_001256789.3(CACNA1F):c.16G>C (p.Gly6Arg)

Gene: CACNA1F (calcium voltage-gated channel subunit alpha1 F; minus strand). Cytogenetic location: Xp11.23.
Variant type: single nucleotide variant.
Coding change: c.16G>C on transcript NM_001256789.3 (MANE Select); coding-DNA position 16, G replaced by C.
Protein change: p.Gly6Arg; replaces glycine 6 with arginine.
Molecular consequence: missense variant.
Genome position (GRCh38, 1-based): chrX:49,233,294, C>G on the plus strand (G>C on the coding strand, the complement: CACNA1F is on the minus strand). VCF-style: chrX-49233294-C-G. GRCh37 (hg19) VCF-style: chrX-49089756-C-G.
Other names: c.16G>C, p.Gly6Arg (NM_001256790.3, NM_005183.4); short protein forms G6R.
Identifiers: ClinVar variation 1974749 (VCV001974749.5), dbSNP rs1557111693, ClinGen allele CA412930597.
Genomic context (GRCh38, chrX:49,233,294, plus strand): 5'-AGGGGCTCTACCTTGCTCCAAGGGTCTGCAGGGATGGAAGGATTCTCTCACCTTTCCCGC[C>G]TTCAGATTCCGACATCTTTCTTTCGAGATTGAAGGGCCATCTGCACACAACCCCCCTCTC-3'
Protein context (NP_001243718.1, residues 1-16): MSESE[Gly6Arg]GKDTTPEPSP